The following is an entry in ClinVar:

NM_000465.4(BARD1):c.2297G>C (p.Cys766Ser)

Gene: BARD1 (BRCA1 associated RING domain 1; minus strand). Cytogenetic location: 2q35.
Variant type: single nucleotide variant.
Coding change: c.2297G>C on transcript NM_000465.4 (MANE Select); coding-DNA position 2297, G replaced by C.
Protein change: p.Cys766Ser; replaces cysteine 766 with serine.
Molecular consequence: missense variant. On other transcripts: non-coding transcript variant (3).
Genome position (GRCh38, 1-based): chr2:214,728,713, C>G on the plus strand (G>C on the coding strand, the complement: BARD1 is on the minus strand). VCF-style: chr2-214728713-C-G. GRCh37 (hg19) VCF-style: chr2-215593437-C-G.
Other names: c.2240G>C, p.Cys747Ser (NM_001282543.2); c.944G>C, p.Cys315Ser (NM_001282545.2); c.887G>C, p.Cys296Ser (NM_001282548.2); c.758G>C, p.Cys253Ser (NM_001282549.2); short protein forms C766S, C253S, C315S, C296S, C747S.
Identifiers: ClinVar variation 3721224 (VCV003721224.2).

ClinVar aggregate classification (germline): Uncertain significance (1 of 4 stars; one submission).

Conditions:
Familial cancer of breast. Also called: BREAST CANCER, FAMILIAL; Hereditary breast cancer; hereditary breast carcinoma. Identifiers: Orphanet 227535, MedGen C0346153, MONDO:0016419, OMIM 114480. Disease mechanism: loss of function.

Submission:

Labcorp Genetics (formerly Invitae), Labcorp
Classification: Uncertain significance for Familial cancer of breast. Last evaluated: 2025-05-18. Review status: criteria provided, single submitter. Criteria: Invitae Variant Classification Sherloc (09022015). Collection method: clinical testing. Allele origin: germline.
Comment: This sequence change replaces cysteine, which is neutral and slightly polar, with serine, which is neutral and polar, at codon 766 of the BARD1 protein (p.Cys766Ser). This variant is not present in population databases (gnomAD no frequency). This variant has not been reported in the literature in individuals affected with BARD1-related conditions. ClinVar contains an entry for this variant (Variation ID: 3721224). An algorithm developed to predict the effect of missense changes on protein structure and function outputs the following: PolyPhen-2: "Benign". The serine amino acid residue is found in multiple mammalian species, which suggests that this missense change does not adversely affect protein function. In summary, the available evidence is currently insufficient to determine the role of this variant in disease. Therefore, it has been classified as a Variant of Uncertain Significance.